The following is an entry in ClinVar:

ClinVar aggregate classification (germline): Uncertain significance. Review status: criteria provided, multiple submitters, no conflicts (2 of 4 stars). 3 submissions from 3 submitters: Uncertain significance (3). Last evaluated 2025-12-10.

Conditions:
Inborn genetic diseases. Identifiers: MedGen C0950123, MeSH D030342.

Allele frequency attached by ClinVar (database versions not stated): gnomAD exomes 0.00001; TOPMed 0.00002; gnomAD 0.00003 and 0.00004.
gnomAD v4.1: 19 of 1,547,604 alleles (0.0012%); highest among the groups gnomAD compares: African/African-American, 0.0068%; no homozygotes.

Submissions (3):

Ambry Genetics
Classification: Uncertain significance for Inborn genetic diseases. Last evaluated: 2025-12-10. Review status: criteria provided, single submitter. Criteria: Ambry Variant Classification Scheme 2023. Collection method: clinical testing. Allele origin: germline.

Labcorp Genetics (formerly Invitae), Labcorp
Classification: Uncertain significance. Last evaluated: 2024-06-04. Review status: criteria provided, single submitter. Criteria: Invitae Variant Classification Sherloc (09022015). Collection method: clinical testing. Allele origin: germline.
Comment: This sequence change replaces arginine, which is basic and polar, with histidine, which is basic and polar, at codon 814 of the MYO7A protein (p.Arg814His). The frequency data for this variant in the population databases is considered unreliable, as metrics indicate poor data quality at this position in the gnomAD database. This variant has not been reported in the literature in individuals affected with MYO7A-related conditions. ClinVar contains an entry for this variant (Variation ID: 1389068). Advanced modeling of protein sequence and biophysical properties (such as structural, functional, and spatial information, amino acid conservation, physicochemical variation, residue mobility, and thermodynamic stability) performed at Invitae indicates that this missense variant is expected to disrupt MYO7A protein function with a positive predictive value of 95%. In summary, the available evidence is currently insufficient to determine the role of this variant in disease. Therefore, it has been classified as a Variant of Uncertain Significance.

Blueprint Genetics
Classification: Uncertain significance. Last evaluated: 2020-04-23. Review status: criteria provided, single submitter. Criteria: ACMG Guidelines, 2015. Collection method: clinical testing. Allele origin: germline.

NM_000260.4(MYO7A):c.2441G>A (p.Arg814His)

Gene: MYO7A (myosin VIIA; plus strand). Cytogenetic location: 11q13.5.
Variant type: single nucleotide variant.
Coding change: c.2441G>A on transcript NM_000260.4 (MANE Select); coding-DNA position 2441, G replaced by A.
Protein change: p.Arg814His; replaces arginine 814 with histidine.
Molecular consequence: missense variant.
Genome position (GRCh38, 1-based): chr11:77,179,808, G>A. VCF-style: chr11-77179808-G-A. GRCh37 (hg19) VCF-style: chr11-76890854-G-A.
Other names: c.2441G>A, p.Arg814His (NM_001127180.2); c.2408G>A, p.Arg803His (NM_001369365.1); c.2441G>A (NM_000260.3); short protein forms R803H, R814H.
Identifiers: ClinVar variation 1389068 (VCV001389068.7), dbSNP rs1220715086, ClinGen allele CA381941621.